The following is an entry in ClinVar:

ClinVar aggregate classification (germline): Uncertain significance (1 of 4 stars; one submission).

Submission:

Labcorp Genetics (formerly Invitae), Labcorp
Classification: Uncertain significance. Last evaluated: 2025-07-01. Review status: criteria provided, single submitter. Criteria: Invitae Variant Classification Sherloc (09022015). Collection method: clinical testing. Allele origin: germline.
Comment: This variant, c.1661_1663del, results in the deletion of 1 amino acid(s) of the FBN3 protein (p.Ser554del), but otherwise preserves the integrity of the reading frame. This variant is present in population databases (rs766801170, gnomAD 0.009%). This variant has not been reported in the literature in individuals affected with FBN3-related conditions. Experimental studies and prediction algorithms are not available or were not evaluated, and the functional significance of this variant is currently unknown. In summary, the available evidence is currently insufficient to determine the role of this variant in disease. Therefore, it has been classified as a Variant of Uncertain Significance.

NM_032447.5(FBN3):c.1661_1663del (p.Ser554del)

Gene: FBN3 (fibrillin 3; minus strand). Cytogenetic location: 19p13.2.
Variant type: Deletion.
Coding change: c.1661_1663del on transcript NM_032447.5 (MANE Select); coding-DNA positions 1661 to 1663, 3 bases deleted (CCT; older notation c.1661_1663delCCT).
Protein change: p.Ser554del; deletes serine 554.
Molecular consequence: inframe deletion.
Genome position (GRCh38, 1-based): chr19:8,133,035-8,133,037, AGG deleted on the plus strand (CCT on the coding strand, the reverse complement: FBN3 is on the minus strand); deleting any 3 consecutive bases within chr19:8,133,035-8,133,039 gives the same sequence; the c. name uses the placement nearest the transcript's 3' end. VCF-style (leftmost placement, unchanged base first): chr19-8133034-CAGG-C. GRCh37 (hg19) VCF-style: chr19-8197918-CAGG-C.
Other names: c.1661_1663del, p.Ser554del (NM_001321431.2); short protein forms S554del.
Identifiers: ClinVar variation 4705886 (VCV004705886.1).
Genomic context (GRCh38, chr19:8,133,034, plus strand): 5'-CCAGGCTCACCCATGCAGTAGTGGCCGCCAGGCGCCAGCAGGAAGCCGGGTTTGCAGAGG[CAGG>C]AGAAGCTGCCATCCTCGTTGAGACACACGCCGTTGACGCACATGGTGCTGGTGGCACACT-3'